The following is an entry in ClinVar:

NM_021224.6(ZNF462):c.6696-13A>G

Gene: ZNF462 (zinc finger protein 462; plus strand). Cytogenetic location: 9q31.2.
Variant type: single nucleotide variant.
Coding change: c.6696-13A>G on transcript NM_021224.6 (MANE Select); 13 bases into the intron before coding-DNA position 6696, A replaced by G.
Molecular consequence: intron variant.
Genome position (GRCh38, 1-based): chr9:106,974,124, A>G. VCF-style: chr9-106974124-A-G. GRCh37 (hg19) VCF-style: chr9-109736405-A-G.
Other names: c.4101-13A>G (NM_001347997.2).
Identifiers: ClinVar variation 1697010 (VCV001697010.2), dbSNP rs751458314, ClinGen allele CA2580079328.

ClinVar aggregate classification (germline): Uncertain significance (1 of 4 stars; one submission).

Submission:

GeneDx
Classification: Uncertain significance. Last evaluated: 2022-01-13. Review status: criteria provided, single submitter. Criteria: GeneDx Variant Classification Process June 2021. Collection method: clinical testing. Allele origin: germline. Affected: yes.
Comment: Not observed at significant frequency in large population cohorts (gnomAD); In silico analysis supports a deleterious effect on splicing; Has not been previously published as pathogenic or benign to our knowledge